The following is an entry in ClinVar:

NM_006715.4(MAN2C1):c.6G>C (p.Ala2=)

Genes: MAN2C1 (mannosidase alpha class 2C member 1; minus strand), LOC112272617 (Sharpr-MPRA regulatory region 58; plus strand). Cytogenetic location: 15q24.2.
Variant type: single nucleotide variant.
Coding change: c.6G>C on transcript NM_006715.4 (MANE Select); coding-DNA position 6, G replaced by C.
Protein change: p.Ala2=; no amino-acid change (alanine 2 retained).
Molecular consequence: synonymous variant.
Genome position (GRCh38, 1-based): chr15:75,368,578, C>G on the plus strand (G>C on the coding strand, the complement: MAN2C1 is on the minus strand). VCF-style: chr15-75368578-C-G. GRCh37 (hg19) VCF-style: chr15-75660919-C-G.
Other names: c.6G>C, p.Ala2= (NM_001256494.2, NM_001256495.2, NM_001256496.2).
Identifiers: ClinVar variation 4821018 (VCV004821018.4).

ClinVar aggregate classification (germline): Likely benign (1 of 4 stars; one submission).

Submission:

CeGaT Center for Human Genetics Tuebingen
Classification: Likely benign. Last evaluated: 2026-02-01. Review status: criteria provided, single submitter. Criteria: CeGaT Center For Human Genetics Tuebingen Variant Classification Criteria Version 2. Collection method: clinical testing. Allele origin: germline. Affected: yes. Observed: 1 variant allele.
Comment: MAN2C1: BP4, BP7